The following is an entry in ClinVar:

NM_001367624.2(ZNF469):c.9948G>C (p.Trp3316Cys)

Gene: ZNF469 (zinc finger protein 469; plus strand). Cytogenetic location: 16q24.2.
Variant type: single nucleotide variant.
Coding change: c.9948G>C on transcript NM_001367624.2 (MANE Select); coding-DNA position 9948, G replaced by C.
Protein change: p.Trp3316Cys; replaces tryptophan 3316 with cysteine.
Molecular consequence: missense variant.
Genome position (GRCh38, 1-based): chr16:88,437,418, G>C. VCF-style: chr16-88437418-G-C. GRCh37 (hg19) VCF-style: chr16-88503826-G-C.
Other names: NM_001127464.1:c.9864G>C; short protein forms W3316C.
Identifiers: ClinVar variation 5032283 (VCV005032283.1).

ClinVar aggregate classification (germline): Uncertain significance (1 of 4 stars; one submission).

Conditions:
Cardiovascular phenotype. Identifiers: MedGen CN230736.

Submission:

Ambry Genetics
Classification: Uncertain significance for Cardiovascular phenotype. Last evaluated: 2026-09-14. Review status: criteria provided, single submitter. Criteria: Ambry Variant Classification Scheme 2023. Collection method: clinical testing. Allele origin: germline.
Comment: The p.W3288C variant (also known as c.9864G>C), located in coding exon 2 of the ZNF469 gene, results from a G to C substitution at nucleotide position 9864. The tryptophan at codon 3288 is replaced by cysteine, an amino acid with highly dissimilar properties. This amino acid position is conserved. In addition, this alteration is predicted to be tolerated by in silico analysis. Based on the available evidence, the clinical significance of this variant remains unclear.